The following is an entry in ClinVar:

ClinVar aggregate classification (germline): Uncertain significance (1 of 4 stars; one submission).

Conditions:
Autosomal recessive limb-girdle muscular dystrophy type 2K. Also called: MUSCULAR DYSTROPHY-DYSTROGLYCANOPATHY (LIMB-GIRDLE), TYPE C, 1; MUSCULAR DYSTROPHY, LIMB-GIRDLE, TYPE 2K. Identifiers: Orphanet 86812, MedGen C1836373, MONDO:0012248, OMIM 609308.
Muscular dystrophy-dystroglycanopathy (congenital with impaired intellectual development), type B, 1. Also called: Muscular dystrophy-dystroglycanopathy (congenital with intellectual disability), type B1; MUSCULAR DYSTROPHY, CONGENITAL, POMT1-RELATED. Identifiers: MedGen C5436962, MONDO:0013159, OMIM 613155.
Walker-Warburg congenital muscular dystrophy. Also called: Muscular dystrophy-dystroglycanopathy, type A; Walker-Warburg syndrome. Identifiers: Orphanet 899, MedGen C0265221, MONDO:0000171.

Allele frequency attached by ClinVar (database versions not stated): gnomAD exomes 0.00002; gnomAD 0.00005; ExAC 0.00002; TOPMed 0.00006.
gnomAD v4.1: 40 of 1,613,794 alleles (0.0025%); highest among the groups gnomAD compares: Middle Eastern, 0.016%; no homozygotes.

Submission:

Labcorp Genetics (formerly Invitae), Labcorp
Classification: Uncertain significance for Muscular dystrophy-dystroglycanopathy (congenital with impaired intellectual development), type B, 1; Walker-Warburg congenital muscular dystrophy; Autosomal recessive limb-girdle muscular dystrophy type 2K. Last evaluated: 2024-11-05. Review status: criteria provided, single submitter. Criteria: Invitae Variant Classification Sherloc (09022015). Collection method: clinical testing. Allele origin: germline.
Comment: This sequence change replaces histidine, which is basic and polar, with proline, which is neutral and non-polar, at codon 130 of the POMT1 protein (p.His130Pro). This variant is present in population databases (rs752880907, gnomAD 0.01%). This variant has not been reported in the literature in individuals affected with POMT1-related conditions. ClinVar contains an entry for this variant (Variation ID: 471382). Invitae Evidence Modeling of protein sequence and biophysical properties (such as structural, functional, and spatial information, amino acid conservation, physicochemical variation, residue mobility, and thermodynamic stability) indicates that this missense variant is not expected to disrupt POMT1 protein function with a negative predictive value of 95%. In summary, the available evidence is currently insufficient to determine the role of this variant in disease. Therefore, it has been classified as a Variant of Uncertain Significance.

NM_001077365.2(POMT1):c.389A>C (p.His130Pro)

Gene: POMT1 (protein O-mannosyltransferase 1; plus strand). Cytogenetic location: 9q34.13.
Variant type: single nucleotide variant.
Coding change: c.389A>C on transcript NM_001077365.2 (MANE Select); coding-DNA position 389, A replaced by C.
Protein change: p.His130Pro; replaces histidine 130 with proline.
Molecular consequence: missense variant. On other transcripts: non-coding transcript variant (9), intron variant (2).
Genome position (GRCh38, 1-based): chr9:131,507,476, A>C. VCF-style: chr9-131507476-A-C. GRCh37 (hg19) VCF-style: chr9-134382863-A-C.
Other names: c.227A>C, p.His76Pro (NM_001077366.2, NM_001353194.2, NM_001353197.2 and 3 more transcripts); c.389A>C, p.His130Pro (NM_001136113.2, NM_001353193.2, NM_001374690.1 and 1 more transcripts); c.38A>C, p.His13Pro (NM_001136114.2, NM_001353195.2, NM_001353199.2 and 2 more transcripts); c.299A>C, p.His100Pro (NM_001353196.2); c.-29-1435A>C (NM_001374695.1); c.-30+1023A>C (NM_001353200.2); short protein forms H130P, H100P, H13P, H76P.
Identifiers: ClinVar variation 471382 (VCV000471382.5), dbSNP rs752880907, ClinGen allele CA5293245.